The following is an entry in ClinVar:

ClinVar aggregate classification (germline): Uncertain significance (1 of 4 stars; one submission).

Allele frequency attached by ClinVar (database versions not stated): gnomAD 0.00001; TOPMed 0.00002.
gnomAD v4.1: 9 of 1,613,880 alleles (0.00056%); highest among the groups gnomAD compares: African/African-American, 0.0013%; no homozygotes.

Submission:

Labcorp Genetics (formerly Invitae), Labcorp
Classification: Uncertain significance. Last evaluated: 2021-10-15. Review status: criteria provided, single submitter. Criteria: Invitae Variant Classification Sherloc (09022015). Collection method: clinical testing. Allele origin: germline.
Comment: This sequence change replaces glycine with serine at codon 157 of the LAT protein (p.Gly157Ser). The glycine residue is moderately conserved and there is a small physicochemical difference between glycine and serine. This variant is not present in population databases (ExAC no frequency). This variant has not been reported in the literature in individuals affected with LAT-related conditions. Algorithms developed to predict the effect of missense changes on protein structure and function output the following: SIFT: "Tolerated"; PolyPhen-2: "Probably Damaging"; Align-GVGD: "Class C0". The serine amino acid residue is found in multiple mammalian species, which suggests that this missense change does not adversely affect protein function. In summary, the available evidence is currently insufficient to determine the role of this variant in disease. Therefore, it has been classified as a Variant of Uncertain Significance.

NM_001014987.2(LAT):c.469G>A (p.Gly157Ser)

Gene: LAT (linker for activation of T cells; plus strand). Cytogenetic location: 16p11.2.
Variant type: single nucleotide variant.
Coding change: c.469G>A on transcript NM_001014987.2 (MANE Select); coding-DNA position 469, G replaced by A.
Protein change: p.Gly157Ser; replaces glycine 157 with serine.
Molecular consequence: missense variant.
Genome position (GRCh38, 1-based): chr16:28,986,869, G>A. VCF-style: chr16-28986869-G-A. GRCh37 (hg19) VCF-style: chr16-28998190-G-A.
Other names: c.466G>A, p.Gly156Ser (NM_001014988.2); c.577G>A, p.Gly193Ser (NM_001014989.2); c.556G>A, p.Gly186Ser (NM_014387.4); short protein forms G156S, G193S, G186S, G157S.
Identifiers: ClinVar variation 1347551 (VCV001347551.5), dbSNP rs1354990346, ClinGen allele CA395442766.